The following is an entry in ClinVar:

NM_001130987.2(DYSF):c.3406G>T (p.Gly1136Cys)

Gene: DYSF (dysferlin; plus strand). Cytogenetic location: 2p13.2.
Variant type: single nucleotide variant.
Coding change: c.3406G>T on transcript NM_001130987.2 (MANE Select); coding-DNA position 3406, G replaced by T.
Protein change: p.Gly1136Cys; replaces glycine 1136 with cysteine.
Molecular consequence: missense variant.
Genome position (GRCh38, 1-based): chr2:71,589,596, G>T. VCF-style: chr2-71589596-G-T. GRCh37 (hg19) VCF-style: chr2-71816726-G-T.
Other names: c.3355G>T, p.Gly1119Cys (NM_001130455.2, NM_001130983.2); c.3310G>T, p.Gly1104Cys (NM_001130976.2, NM_001130977.2); c.3352G>T, p.Gly1118Cys (NM_001130978.2, NM_003494.4); c.3445G>T, p.Gly1149Cys (NM_001130979.2); c.3403G>T, p.Gly1135Cys (NM_001130980.2, NM_001130981.2); c.3448G>T, p.Gly1150Cys (NM_001130982.2); c.3313G>T, p.Gly1105Cys (NM_001130984.2, NM_001130986.2); c.3406G>T, p.Gly1136Cys (NM_001130985.2); short protein forms G1105C, G1136C, G1149C, G1150C, G1118C, G1119C, G1104C, G1135C.
Identifiers: ClinVar variation 1443877 (VCV001443877.3), dbSNP rs202000264, ClinGen allele CA347220252.
Genomic context (GRCh38, chr2:71,589,596, plus strand): 5'-CCCTGCCACCCCCAGGCCTGGGGGCAGAATCTGCCATAACCAGCTTCGTGTCTCCAGGGC[G>T]GCGTGATGGATGACAAGAGTGAAGATTCCATGTCCGTCTCCACCTTGAGCTTCGGTGTGA-3'
Protein context (NP_001124459.1, residues 1126-1146): AVFALEGALG[Gly1136Cys]VMDDKSEDSM

ClinVar aggregate classification (germline): Uncertain significance (1 of 4 stars; one submission).

Conditions:
Neuromuscular disease caused by qualitative or quantitative defects of dysferlin. Also called: Qualitative or quantitative defects of dysferlin; Dysferlinopathy. Identifiers: Orphanet 207073, MedGen C2931687, MONDO:0016145.

gnomAD v4.1: 3 of 1,613,984 alleles (0.00019%); highest among the groups gnomAD compares: South Asian, 0.0011%; no homozygotes.

Submission:

Labcorp Genetics (formerly Invitae), Labcorp
Classification: Uncertain significance for Neuromuscular disease caused by qualitative or quantitative defects of dysferlin. Last evaluated: 2021-08-05. Review status: criteria provided, single submitter. Criteria: Invitae Variant Classification Sherloc (09022015). Collection method: clinical testing. Allele origin: germline.
Comment: This sequence change replaces glycine with cysteine at codon 1118 of the DYSF protein (p.Gly1118Cys). The glycine residue is moderately conserved and there is a large physicochemical difference between glycine and cysteine. This variant is not present in population databases (ExAC no frequency). This variant has not been reported in the literature in individuals affected with DYSF-related conditions. Advanced modeling of protein sequence and biophysical properties (such as structural, functional, and spatial information, amino acid conservation, physicochemical variation, residue mobility, and thermodynamic stability) performed at Invitae indicates that this missense variant is not expected to disrupt DYSF protein function. In summary, the available evidence is currently insufficient to determine the role of this variant in disease. Therefore, it has been classified as a Variant of Uncertain Significance.